The following is an entry in ClinVar:

ClinVar aggregate classification (germline): Pathogenic/Likely pathogenic. Review status: criteria provided, multiple submitters, no conflicts (2 of 4 stars). 2 submissions from 2 submitters: Pathogenic (1); Likely pathogenic (1). Last evaluated 2025-04-17.

Conditions:
RYR1-related disorder. Also called: RYR1-related condition; RYR1-related disorders. Identifiers: MedGen CN239331.
Central core myopathy (CMYO1A). Also called: Central core disease; Myopathy, central fibrillar; CONGENITAL MYOPATHY 1A, AUTOSOMAL DOMINANT, WITH SUSCEPTIBILITY TO MALIGNANT HYPERTHERMIA. Identifiers: Orphanet 597, MedGen C5830701, MONDO:0007294, OMIM 117000.

Allele frequency attached by ClinVar (database versions not stated): gnomAD exomes below 0.00001; TOPMed below 0.00001; gnomAD 0.00001.
gnomAD v4.1: 7 of 1,614,128 alleles (0.00043%); highest among the groups gnomAD compares: East Asian, 0.0022%; no homozygotes.

Submissions (2):

Labcorp Genetics (formerly Invitae), Labcorp
Classification: Pathogenic for RYR1-related disorder. Last evaluated: 2025-04-17. Review status: criteria provided, single submitter. Criteria: Invitae Variant Classification Sherloc (09022015). Collection method: clinical testing. Allele origin: germline.
Comment: This sequence change creates a premature translational stop signal (p.Arg2985*) in the RYR1 gene. It is expected to result in an absent or disrupted protein product. Loss-of-function variants in RYR1 are known to be pathogenic (PMID: 23919265, 25960145, 28818389, 30611313). This variant is not present in population databases (gnomAD no frequency). This premature translational stop signal has been observed in individual(s) with autosomal recessive RYR1-related conditions (PMID: 23826317). ClinVar contains an entry for this variant (Variation ID: 2138288). Algorithms developed to predict the effect of sequence changes on RNA splicing suggest that this variant may disrupt the consensus splice site. For these reasons, this variant has been classified as Pathogenic.

Neuberg Centre For Genomic Medicine, NCGM
Classification: Likely pathogenic for Central core myopathy. Review status: criteria provided, single submitter. Criteria: ACMG Guidelines, 2015. Collection method: clinical testing. Allele origin: germline. Inheritance: Autosomal recessive inheritance. Affected: yes.
Comment: The stop gained c.8953C>T (p.Arg2985Ter) variant has not been reported previously as a pathogenic variant nor as a benign variant, to our knowledge. The p.Arg2985Ter variant is novel (not in any individuals) in gnomAD Exomes and is novel (not in any individuals) in 1000 Genomes. This variant has not been reported to the ClinVar database. The nucleotide change c.8953C>T in RYR1 is predicted as conserved by GERP++ and PhyloP across 100 vertebrates. This variant is predicted to cause loss of normal protein function through protein truncation. Loss of function variants have been previously reported to be disease causing. For these reasons, this variant has been classified as Likely Pathogenic.

Literature cited by the submitters: PubMed 23919265 (cited by Labcorp Genetics (formerly Invitae), Labcorp); PubMed 25960145 (cited by Labcorp Genetics (formerly Invitae), Labcorp); PubMed 28818389 (cited by Labcorp Genetics (formerly Invitae), Labcorp); PubMed 30611313 (cited by Labcorp Genetics (formerly Invitae), Labcorp); PubMed 23826317 (cited by Labcorp Genetics (formerly Invitae), Labcorp).

NM_000540.3(RYR1):c.8953C>T (p.Arg2985Ter)

Gene: RYR1 (ryanodine receptor 1; plus strand). Cytogenetic location: 19q13.2.
Variant type: single nucleotide variant.
Coding change: c.8953C>T on transcript NM_000540.3 (MANE Select); coding-DNA position 8953, C replaced by T.
Protein change: p.Arg2985Ter; replaces arginine 2985 with a stop codon.
Molecular consequence: nonsense.
Genome position (GRCh38, 1-based): chr19:38,510,518, C>T. VCF-style: chr19-38510518-C-T. GRCh37 (hg19) VCF-style: chr19-39001158-C-T.
Other names: c.8953C>T, p.Arg2985Ter (NM_001042723.2); short protein forms R2985*.
Identifiers: ClinVar variation 2138288 (VCV002138288.4), dbSNP rs1381679767, ClinGen allele CA405683370.